The following is an entry in ClinVar:

ClinVar aggregate classification (germline): Likely pathogenic. Review status: criteria provided, multiple submitters, no conflicts (2 of 4 stars). 2 submissions from 2 submitters: Likely pathogenic (2). Last evaluated 2026-04-15.

Conditions:
Hereditary factor VIII deficiency disease (HEMA). Also called: HEMOPHILIA, CLASSIC; Hemophilia A; AUTOSOMAL HEMOPHILIA A; Hemophilia A, congenital; HEM A; Factor 8 deficiency, congenital. Identifiers: Orphanet 98878, MedGen C0019069, MONDO:0010602, OMIM 306700.

Allele frequency attached by ClinVar (database versions not stated): TOPMed 0.00001.

Submissions (2):

Clinical Genetics Laboratory, Skane University Hospital Lund
Classification: Likely pathogenic for Hereditary factor VIII deficiency disease. Last evaluated: 2026-04-15. Review status: criteria provided, single submitter. Criteria: ACMG Guidelines, 2015. Collection method: clinical testing. Allele origin: germline. Inheritance: X-linked inheritance. Affected: yes.
Comment: F8 c.1504G>T, p.(Val502Phe) represents a nucleotide substitution in exon 10 of 26, resulting in the amino acid change indicated above, which is predicted to be deleterious to protein function. F8 c.1504G>T has not been observed in hemizygous males in the general population (gnomAD v4.1.0) and has previously been reported once as likely pathogenic in the ClinVar database (Accession: VCV000994422.9). A different amino acid substitution at the same position (p.(Val502Gly)) has been classified as pathogenic. The variant has been classified as likely pathogenic using gene-specific criteria (ClinGen Coagulation Factor Deficiency Expert Panel Specifications to the ACMG/AMP Variant Interpretation Guidelines for F8 Version 2.0.0): PS4_Strong, PM2_Supporting, PM5_Moderate, PP3.

ARUP Laboratories, Molecular Genetics and Genomics, ARUP Laboratories
Classification: Likely pathogenic. Last evaluated: 2024-11-14. Review status: criteria provided, single submitter. Criteria: ARUP Molecular Germline Variant Investigation Process 2024. Collection method: clinical testing. Allele origin: germline.
Comment: The F8 c.1504G>T; p.Val502Phe variant is reported in the literature in several individuals affected with mild hemophilia A (Eckhardt 2013, Factor VIII database and references therein). Affected individuals with this variant exhibit F8 activity measured between 14% and 18% of normal (Eckhardt 2013, Factor VIII database). This variant is absent from the Genome Aggregation Database (v2.1.1), indicating it is not a common polymorphism. Computational analyses predict that this variant is deleterious (REVEL: 0.632). Additionally, other amino acid substitutions at this codon (p.Val502Asp, p.Val502Gly) have been reported in individuals with hemophilia A and are considered disease-causing (Eckhardt 2013, Fernandez-Lopez 2005, Factor VIII database and references therein). Based on available information, the p.Val502Phe variant is considered to be likely pathogenic. References: Factor VIII database: Eckhardt CL et al. Factor VIII gene (F8) mutation and risk of inhibitor development in nonsevere hemophilia A. Blood. 2013 Sep 12;122(11):1954-62. PMID: 23926300. Fernandez-Lopez O et al. The spectrum of mutations in Southern Spanish patients with hemophilia A and identification of 28 novel mutations. Haematologica. 2005 May;90(5):707-10. PMID: 15921397

Literature cited by the submitters: PubMed 29296726 (cited by Clinical Genetics Laboratory, Skane University Hospital Lund); PubMed 23926300 (cited by Clinical Genetics Laboratory, Skane University Hospital Lund).

NM_000132.4(F8):c.1504G>T (p.Val502Phe)

Gene: F8 (coagulation factor VIII; minus strand). Cytogenetic location: Xq28.
Variant type: single nucleotide variant.
Coding change: c.1504G>T on transcript NM_000132.4 (MANE Select); coding-DNA position 1504, G replaced by T.
Protein change: p.Val502Phe; replaces valine 502 with phenylalanine.
Molecular consequence: missense variant.
Genome position (GRCh38, 1-based): chrX:154,961,108, C>A on the plus strand (G>T on the coding strand, the complement: F8 is on the minus strand). VCF-style: chrX-154961108-C-A. GRCh37 (hg19) VCF-style: chrX-154189383-C-A.
Other names: short protein forms V502F.
Identifiers: ClinVar variation 994422 (VCV000994422.10), dbSNP rs2073393106, ClinGen allele CA414912691.